The following is an entry in ClinVar:

NM_000548.5(TSC2):c.1599+9C>T

Gene: TSC2 (TSC complex subunit 2; plus strand). Cytogenetic location: 16p13.3.
Variant type: single nucleotide variant.
Coding change: c.1599+9C>T on transcript NM_000548.5 (MANE Select); 9 bases into the intron after coding-DNA position 1599, C replaced by T.
Molecular consequence: intron variant.
Genome position (GRCh38, 1-based): chr16:2,064,436, C>T. VCF-style: chr16-2064436-C-T. GRCh37 (hg19) VCF-style: chr16-2114437-C-T.
Other names: c.1599+9C>T (NM_001114382.3, NM_021055.3, NM_001370405.1 and 4 more transcripts); c.1488+9C>T (NM_001318827.2); c.999+9C>T (NM_001318831.2); c.1452+9C>T (NM_001318829.2); c.1632+9C>T (NM_001318832.2).
Identifiers: ClinVar variation 467883 (VCV000467883.16), dbSNP rs776274603, ClinGen allele CA031470.
Genomic context (GRCh38, chr16:2,064,436, plus strand): 5'-AGAGGGCTGCCACACACACCACTTCAACAGCCTGCTGGACATCATCGAGAAGGTGAGAGC[C>T]GTTGTACCCGGGGCCGGGTGCTAGCGTGCCAGAGCTCCGTGGGCAGCAATGGCCTCTGGG-3'

ClinVar aggregate classification (germline): Benign/Likely benign. Review status: criteria provided, multiple submitters, no conflicts (2 of 4 stars). 4 submissions from 4 submitters: Benign (1); Likely benign (2). 1 of the submissions does not count toward it. Last evaluated 2026-02-04.

Conditions:
Tuberous sclerosis 2 (TSC2). Identifiers: Orphanet 805, MedGen C1860707, MONDO:0013199, OMIM 613254.
Isolated focal cortical dysplasia type II (FCORD2). Also called: CORTICAL DYSPLASIA OF TAYLOR; Focal cortical dysplasia type II. Identifiers: Orphanet 268994, MedGen C1846385, MONDO:0011818, OMIM 607341, HP:0032051.
Lymphangiomyomatosis (LAM). Also called: Lymphangioleiomyomatosis; Lymphangioleiomyomatosis, somatic. Identifiers: Orphanet 538, MedGen C0751674, MONDO:0011705, OMIM 606690.
TSC2-related disorder. Also called: TSC2-related condition; TSC2-Related Disorders.

Allele frequency attached by ClinVar (database versions not stated): ExAC 0.00002; gnomAD exomes 0.00002; gnomAD 0.00005; TOPMed 0.00005.
gnomAD v4.1: 20 of 1,612,920 alleles (0.0012%); highest among the groups gnomAD compares: Admixed American, 0.01%; no homozygotes.

Submissions (4):

Labcorp Genetics (formerly Invitae), Labcorp
Classification: Benign for Tuberous sclerosis 2. Last evaluated: 2026-02-04. Review status: criteria provided, single submitter. Criteria: Invitae Variant Classification Sherloc (09022015). Collection method: clinical testing. Allele origin: germline.

Myriad Genetics, Inc.
Classification: Likely benign for Tuberous sclerosis 2. Last evaluated: 2025-05-14. Review status: criteria provided, single submitter. Criteria: Myriad Autosomal Dominant, Autosomal Recessive and X-Linked Classification Criteria (2023). Collection method: clinical testing. Allele origin: unknown.
Comment: This variant is considered likely benign. This variant is intronic and is not expected to impact mRNA splicing.

Fulgent Genetics
Classification: Likely benign for Lymphangiomyomatosis; Isolated focal cortical dysplasia type II; Tuberous sclerosis 2. Last evaluated: 2022-02-08. Review status: criteria provided, single submitter. Criteria: ACMG Guidelines, 2015. Collection method: clinical testing. Allele origin: unknown.

PreventionGenetics, part of Exact Sciences
Classification: Likely benign for TSC2-related condition. Last evaluated: 2023-12-14. Review status: no assertion criteria provided. Collection method: clinical testing. Allele origin: germline. Not counted in ClinVar's aggregate classification.
Comment: This variant is classified as likely benign based on ACMG/AMP sequence variant interpretation guidelines (Richards et al. 2015 PMID: 25741868, with internal and published modifications).